The following is an entry in ClinVar:

ClinVar aggregate classification (germline): Uncertain significance (1 of 4 stars; one submission).

Submission:

CeGaT Center for Human Genetics Tuebingen
Classification: Uncertain significance. Last evaluated: 2024-05-01. Review status: criteria provided, single submitter. Criteria: CeGaT Center For Human Genetics Tuebingen Variant Classification Criteria Version 2. Collection method: clinical testing. Allele origin: germline. Affected: yes. Observed: 1 variant allele.
Comment: SYNE1: PM2, BP4

NM_182961.4(SYNE1):c.24895A>G (p.Met8299Val)

Gene: SYNE1 (spectrin repeat containing nuclear envelope protein 1; minus strand). Cytogenetic location: 6q25.2.
Variant type: single nucleotide variant.
Coding change: c.24895A>G on transcript NM_182961.4 (MANE Select); coding-DNA position 24895, A replaced by G.
Protein change: p.Met8299Val; replaces methionine 8299 with valine.
Molecular consequence: missense variant.
Genome position (GRCh38, 1-based): chr6:152,148,126, T>C on the plus strand (A>G on the coding strand, the complement: SYNE1 is on the minus strand). VCF-style: chr6-152148126-T-C. GRCh37 (hg19) VCF-style: chr6-152469261-T-C.
Other names: c.1501A>G, p.Met501Val (NM_001347701.2); c.1360A>G, p.Met454Val (NM_001347702.2); c.24682A>G, p.Met8228Val (NM_033071.5); short protein forms M454V, M501V, M8228V, M8299V.
Identifiers: ClinVar variation 3239609 (VCV003239609.19), dbSNP rs1360574215.